The following is an entry in ClinVar:

NM_004606.5(TAF1):c.2781+50C>T

Gene: TAF1 (TATA-box binding protein associated factor 1; plus strand). Cytogenetic location: Xq13.1.
Variant type: single nucleotide variant.
Coding change: c.2781+50C>T on transcript NM_004606.5 (MANE Select); 50 bases into the intron after coding-DNA position 2781, C replaced by T.
Molecular consequence: intron variant.
Genome position (GRCh38, 1-based): chrX:71,389,715, C>T. VCF-style: chrX-71389715-C-T. GRCh37 (hg19) VCF-style: chrX-70609565-C-T.
Other names: c.2781+50C>T (NM_001286074.2); c.2718+50C>T (NM_138923.4).
Identifiers: ClinVar variation 1227286 (VCV001227286.6), dbSNP rs28382176, ClinGen allele CA10446938.

ClinVar aggregate classification (germline): Benign. Review status: criteria provided, multiple submitters, no conflicts (2 of 4 stars). 3 submissions from 3 submitters: Benign (3). Last evaluated 2024-07-31.

Allele frequency attached by ClinVar (database versions not stated): ESP Exome Variant Server 0.00587; gnomAD 0.02492 and 0.02590; 1000 Genomes Project 0.04424; TOPMed 0.04608; gnomAD exomes 0.04832; ExAC 0.04966; 1000 Genomes Project 30x 0.05078.
gnomAD v4.1: 19,717 of 968,821 alleles (2%); highest among the groups gnomAD compares: Admixed American, 29%; 1,369 homozygotes.

Submissions (3):

Unidad de Genómica Garrahan, Hospital de Pediatría Garrahan
Classification: Benign. Last evaluated: 2024-07-31. Review status: criteria provided, single submitter. Criteria: ACMG Guidelines, 2015. Collection method: clinical testing. Allele origin: germline. Affected: no. Observed: 31 variant alleles.
Comment: This variant is classified as Benign based on local population frequency. This variant was detected in 33% of patients studied in a panel designed for Epileptic and Developmental Encephalopathy, Progressive Myoclonus Epilepsy and Abnormal Movements and Neurodegeneration with brain iron accumulation. Number of patients: 31. Only high quality variants are reported.

GeneDx
Classification: Benign. Last evaluated: 2021-05-16. Review status: criteria provided, single submitter. Criteria: GeneDx Variant Classification Process June 2021. Collection method: clinical testing. Allele origin: germline. Affected: yes.

Breakthrough Genomics
Classification: Benign. Review status: criteria provided, single submitter. Criteria: ACMG Guidelines, 2015. Collection method: not provided. Allele origin: germline. Inheritance: X-linked inheritance. Affected: yes.